The following is an entry in ClinVar:

NM_018669.6(WDR4):c.332T>C (p.Ile111Thr)

Gene: WDR4 (WDR4 tRNA N7-guanosine methyltransferase non-catalytic subunit; minus strand). Cytogenetic location: 21q22.3.
Variant type: single nucleotide variant.
Coding change: c.332T>C on transcript NM_018669.6 (MANE Select); coding-DNA position 332, T replaced by C.
Protein change: p.Ile111Thr; replaces isoleucine 111 with threonine.
Molecular consequence: missense variant. On other transcripts: 5 prime UTR variant (3), non-coding transcript variant (1).
Genome position (GRCh38, 1-based): chr21:42,863,561, A>G on the plus strand (T>C on the coding strand, the complement: WDR4 is on the minus strand). VCF-style: chr21-42863561-A-G. GRCh37 (hg19) VCF-style: chr21-44283671-A-G.
Other names: c.332T>C, p.Ile111Thr (NM_001260474.2, NM_033661.5); c.-107T>C (NM_001260475.2, NM_001260476.2, NM_001260477.2); short protein forms I111T.
Identifiers: ClinVar variation 3678825 (VCV003678825.2).

ClinVar aggregate classification (germline): Uncertain significance (1 of 4 stars; one submission).

gnomAD v4.1: 5 of 1,613,804 alleles (0.00031%); highest among the groups gnomAD compares: Non-Finnish European, 0.00042%; no homozygotes.

Submission:

Labcorp Genetics (formerly Invitae), Labcorp
Classification: Uncertain significance. Last evaluated: 2024-11-21. Review status: criteria provided, single submitter. Criteria: Invitae Variant Classification Sherloc (09022015). Collection method: clinical testing. Allele origin: germline.
Comment: This sequence change replaces isoleucine, which is neutral and non-polar, with threonine, which is neutral and polar, at codon 111 of the WDR4 protein (p.Ile111Thr). This variant is present in population databases (rs762368157, gnomAD 0.0009%). This variant has not been reported in the literature in individuals affected with WDR4-related conditions. Invitae Evidence Modeling of protein sequence and biophysical properties (such as structural, functional, and spatial information, amino acid conservation, physicochemical variation, residue mobility, and thermodynamic stability) indicates that this missense variant is not expected to disrupt WDR4 protein function with a negative predictive value of 80%. In summary, the available evidence is currently insufficient to determine the role of this variant in disease. Therefore, it has been classified as a Variant of Uncertain Significance.